The following is an entry in ClinVar:

NM_001843.4(CNTN1):c.2930G>A (p.Arg977His)

Gene: CNTN1 (contactin 1; plus strand). Cytogenetic location: 12q12.
Variant type: single nucleotide variant.
Coding change: c.2930G>A on transcript NM_001843.4 (MANE Select); coding-DNA position 2930, G replaced by A.
Protein change: p.Arg977His; replaces arginine 977 with histidine.
Molecular consequence: missense variant.
Genome position (GRCh38, 1-based): chr12:41,029,169, G>A. VCF-style: chr12-41029169-G-A. GRCh37 (hg19) VCF-style: chr12-41422971-G-A.
Other names: c.2897G>A, p.Arg966His (NM_175038.2); short protein forms R966H, R977H.
Identifiers: ClinVar variation 2200050 (VCV002200050.1), dbSNP rs2499755263, ClinGen allele CA384588294.
Genomic context (GRCh38, chr12:41,029,169, plus strand): 5'-CTCACAAACACTCCATAGAAGTCCCAATCCCCAGAGATGGAGAATACGTTGTGGAGGTTC[G>A]CGCGCACAGTGATGGAGGAGATGGAGTGGTGTCTCAAGTCAAAATTTCAGGTAAGTGAGT-3'
Protein context (NP_001834.2, residues 967-987): PRDGEYVVEV[Arg977His]AHSDGGDGVV

ClinVar aggregate classification (germline): Uncertain significance (1 of 4 stars; one submission).

Conditions:
Compton-North congenital myopathy (CMYO12). Identifiers: Orphanet 210163, MedGen C2675527, MONDO:0012929, OMIM 612540.

gnomAD v4.1: 1 of 1,614,014 alleles (0.000062%); no homozygotes.

Submission:

Labcorp Genetics (formerly Invitae), Labcorp
Classification: Uncertain significance for Compton-North congenital myopathy. Last evaluated: 2022-04-05. Review status: criteria provided, single submitter. Criteria: Invitae Variant Classification Sherloc (09022015). Collection method: clinical testing. Allele origin: germline.
Comment: This sequence change replaces arginine, which is basic and polar, with histidine, which is basic and polar, at codon 977 of the CNTN1 protein (p.Arg977His). This variant is not present in population databases (gnomAD no frequency). This variant has not been reported in the literature in individuals affected with CNTN1-related conditions. Advanced modeling of protein sequence and biophysical properties (such as structural, functional, and spatial information, amino acid conservation, physicochemical variation, residue mobility, and thermodynamic stability) performed at Invitae indicates that this missense variant is not expected to disrupt CNTN1 protein function. In summary, the available evidence is currently insufficient to determine the role of this variant in disease. Therefore, it has been classified as a Variant of Uncertain Significance.